The following is an entry in ClinVar:

ClinVar aggregate classification (germline): Benign/Likely benign. Review status: criteria provided, multiple submitters, no conflicts (2 of 4 stars). 4 submissions from 4 submitters: Benign (1); Likely benign (2). 1 of the submissions does not count toward it. Last evaluated 2024-11-11.

Conditions:
CFAP44-related disorder. Also called: CFAP44-related condition.

Allele frequency attached by ClinVar (database versions not stated): 1000 Genomes Project 0.00080; ESP Exome Variant Server 0.00085; 1000 Genomes Project 30x 0.00094; gnomAD 0.00149 and 0.00158; TOPMed 0.00170.
gnomAD v4.1: 3,099 of 1,613,748 alleles (0.19%); highest among the groups gnomAD compares: Admixed American, 0.24%; 6 homozygotes.

Submissions (4):

Blueprint Genetics
Classification: Likely benign. Last evaluated: 2024-11-11. Review status: criteria provided, single submitter. Criteria: ACMG Guidelines, 2015. Collection method: clinical testing. Allele origin: germline.

CeGaT Center for Human Genetics Tuebingen
Classification: Likely benign. Last evaluated: 2022-08-01. Review status: criteria provided, single submitter. Criteria: CeGaT Center For Human Genetics Tuebingen Variant Classification Criteria Version 2. Collection method: clinical testing. Allele origin: germline. Affected: yes. Observed: 1 variant allele.
Comment: CFAP44: BP4, BP7

Labcorp Genetics (formerly Invitae), Labcorp
Classification: Benign. Last evaluated: 2019-12-31. Review status: criteria provided, single submitter. Criteria: Invitae Variant Classification Sherloc (09022015). Collection method: clinical testing. Allele origin: germline.

PreventionGenetics, part of Exact Sciences
Classification: Likely benign for CFAP44-related condition. Last evaluated: 2019-04-10. Review status: no assertion criteria provided. Collection method: clinical testing. Allele origin: germline. Not counted in ClinVar's aggregate classification.
Comment: This variant is classified as likely benign based on ACMG/AMP sequence variant interpretation guidelines (Richards et al. 2015 PMID: 25741868, with internal and published modifications).

NM_001164496.2(CFAP44):c.2679A>G (p.Leu893=)

Genes: CFAP44 (cilia and flagella associated protein 44; minus strand), SPICE1-CFAP44 (SPICE1-CFAP44 readthrough (NMD candidate); minus strand). Cytogenetic location: 3q13.2.
Variant type: single nucleotide variant.
Coding change: c.2679A>G on transcript NM_001164496.2 (MANE Select); coding-DNA position 2679, A replaced by G.
Protein change: p.Leu893=; no amino-acid change (leucine 893 retained).
Molecular consequence: synonymous variant.
Genome position (GRCh38, 1-based): chr3:113,366,075, T>C on the plus strand (A>G on the coding strand, the complement: CFAP44 is on the minus strand). VCF-style: chr3-113366075-T-C. GRCh37 (hg19) VCF-style: chr3-113084922-T-C.
Other names: c.2679A>G, p.Leu893= (NM_018338.3).
Identifiers: ClinVar variation 716190 (VCV000716190.30), dbSNP rs35480872, ClinGen allele CA2543853.